The following is an entry in ClinVar:

ClinVar aggregate classification (germline): Uncertain significance (1 of 4 stars; one submission).

Conditions:
Autism, susceptibility to, X-linked 2 (AUTSX2). Also called: Autism susceptibility, X-linked 2. Identifiers: MedGen C1845539, MONDO:0010341, OMIM 300495.

Submission:

Dasa
Classification: Uncertain significance for Autism, susceptibility to, X-linked 2. Last evaluated: 2025-06-10. Review status: criteria provided, single submitter. Criteria: DASA Assertion Criteria. Collection method: clinical testing. Allele origin: germline.
Comment: NM_181332.3(NLGN4X):c.1268T>C (p.Met423Thr) is a missense variant that results in the substitution of methionine with threonine. This variant is absent from population databases. The currently available literature and clinical evidence are not sufficient to establish a definitive association between this variant and the reported condition. Therefore, this variant is classified as a variant of uncertain significance.

NM_181332.3(NLGN4X):c.1268T>C (p.Met423Thr)

Gene: NLGN4X (neuroligin 4 X-linked; minus strand). Cytogenetic location: Xp22.32.
Variant type: single nucleotide variant.
Coding change: c.1268T>C on transcript NM_181332.3 (MANE Select); coding-DNA position 1268, T replaced by C.
Protein change: p.Met423Thr; replaces methionine 423 with threonine.
Molecular consequence: missense variant.
Genome position (GRCh38, 1-based): chrX:5,903,410, A>G on the plus strand (T>C on the coding strand, the complement: NLGN4X is on the minus strand). VCF-style: chrX-5903410-A-G. GRCh37 (hg19) VCF-style: chrX-5821451-A-G.
Other names: c.1268T>C, p.Met423Thr (NM_001282145.2, NM_001282146.2, NM_001441322.1 and 4 more transcripts); short protein forms M423T.
Identifiers: ClinVar variation 4882323 (VCV004882323.2).